The following is an entry in ClinVar:

NM_001148.6(ANK2):c.9338G>A (p.Arg3113Gln)

Gene: ANK2 (ankyrin 2; plus strand). Cytogenetic location: 4q26.
Variant type: single nucleotide variant.
Coding change: c.9338G>A on transcript NM_001148.6 (MANE Select); coding-DNA position 9338, G replaced by A.
Protein change: p.Arg3113Gln; replaces arginine 3113 with glutamine.
Molecular consequence: missense variant. On other transcripts: intron variant (68).
Genome position (GRCh38, 1-based): chr4:113,357,956, G>A. VCF-style: chr4-113357956-G-A. GRCh37 (hg19) VCF-style: chr4-114279112-G-A.
Other names: c.9104G>A, p.Arg3035Gln (NM_001386142.1); c.5738G>A, p.Arg1913Gln (NM_001386166.1); c.9479G>A, p.Arg3160Gln (NM_001386174.1); c.9455G>A, p.Arg3152Gln (NM_001386175.1); c.4412-2867G>A (NM_001386186.2, NM_001386148.2); c.4214-2867G>A (NM_001354269.3); c.4292-2867G>A (NM_001386187.2); c.4253-2867G>A (NM_001386147.1); and 36 more; short protein forms R1913Q, R3035Q, R3113Q, R3152Q, R3160Q.
Identifiers: ClinVar variation 1677555 (VCV001677555.3), dbSNP rs2154028770, ClinGen allele CA357937124.

ClinVar aggregate classification (germline): Conflicting classifications of pathogenicity. Review status: criteria provided, conflicting classifications (1 of 4 stars). 3 submissions from 3 submitters: Uncertain significance (2); Likely benign (1). Last evaluated 2025-04-02.

Conditions:
Cardiovascular phenotype. Identifiers: MedGen CN230736.

gnomAD v4.1: 1 of 1,614,056 alleles (0.000062%); highest among the groups gnomAD compares: Non-Finnish European, 0.000085%; no homozygotes.

Submissions (3):

Ambry Genetics
Classification: Uncertain significance for Cardiovascular phenotype. Last evaluated: 2025-04-02. Review status: criteria provided, single submitter. Criteria: Ambry Variant Classification Scheme 2023. Collection method: clinical testing. Allele origin: germline.
Comment: The p.R3113Q variant (also known as c.9338G>A), located in coding exon 38 of the ANK2 gene, results from a G to A substitution at nucleotide position 9338. The arginine at codon 3113 is replaced by glutamine, an amino acid with highly similar properties. This amino acid position is conserved. In addition, this alteration is predicted to be deleterious by in silico analysis. Based on the available evidence, the clinical significance of this variant remains unclear.

Blueprint Genetics
Classification: Likely benign. Last evaluated: 2022-10-21. Review status: criteria provided, single submitter. Criteria: ACMG Guidelines, 2015. Collection method: clinical testing. Allele origin: germline.

AiLife Diagnostics
Classification: Uncertain significance. Last evaluated: 2021-10-09. Review status: criteria provided, single submitter. Criteria: ACMG Guidelines, 2015. Collection method: clinical testing. Allele origin: germline. Affected: yes. Observed: 1 variant allele.